The following is an entry in ClinVar:

NM_007194.4(CHEK2):c.1260_1261del (p.Cys420_Leu421insTer)

Gene: CHEK2 (checkpoint kinase 2; minus strand). Cytogenetic location: 22q12.1.
Variant type: Deletion.
Coding change: c.1260_1261del on transcript NM_007194.4 (MANE Select); coding-DNA positions 1260 to 1261, 2 bases deleted (CC; older notation c.1260_1261delCC).
Protein change: p.Cys420_Leu421insTer.
Molecular consequence: frameshift variant. On other transcripts: nonsense (4).
Genome position (GRCh38, 1-based): chr22:28,695,241-28,695,242, GG deleted on the plus strand (CC on the coding strand, the reverse complement: CHEK2 is on the minus strand). VCF-style (leftmost placement, unchanged base first): chr22-28695240-AGG-A. GRCh37 (hg19) VCF-style: chr22-29091228-AGG-A.
Other names: c.1389_1390delCC, p.Leu464Terfs (NM_001005735.3); c.597_598delCC, p.Leu200Terfs (NM_001257387.3); c.1059_1060delCC, p.Leu354Terfs (NM_001349956.3); c.1173_1174delCC, p.Leu392Terfs (NM_145862.3).
Identifiers: ClinVar variation 1762838 (VCV001762838.2), dbSNP rs2517798920, ClinGen allele CA2580099448.
Genomic context (GRCh38, chr22:28,695,240, plus strand): 5'-GTGATCTGATCCTTCAGTGACACTTGAGTCCTATGCTCAGAGAAAGGTGGATACCCACTA[AGG>A]CTTAATATTGGTAGAGAGAGAAAGGAAAAGAAATCAAGTGGCATTCTCAGTGGCATTCAG-3'

ClinVar aggregate classification (germline): Pathogenic (1 of 4 stars; one submission).

Conditions:
Hereditary cancer-predisposing syndrome. Also called: Neoplastic Syndromes, Hereditary; Tumor predisposition; Hereditary Cancer Syndrome; Hereditary neoplastic syndrome. Identifiers: Orphanet 140162, MedGen C0027672, MeSH D009386, MONDO:0015356.

Submission:

Ambry Genetics
Classification: Pathogenic for Hereditary cancer-predisposing syndrome. Last evaluated: 2021-12-24. Review status: criteria provided, single submitter. Criteria: Ambry Variant Classification Scheme 2023. Collection method: clinical testing. Allele origin: germline.
Comment: The c.1260_1261delCC variant, located in coding exon 11 of the CHEK2 gene, results from a deletion of two nucleotides at nucleotide positions 1260 to 1261, causing a translational frameshift with a predicted alternate stop codon (p.L421*). This variant is considered to be rare based on population cohorts in the Genome Aggregation Database (gnomAD). This alteration is expected to result in loss of function by premature protein truncation or nonsense-mediated mRNA decay. As such, this alteration is interpreted as a disease-causing mutation.